The following is an entry in ClinVar:

ClinVar aggregate classification (germline): Pathogenic (1 of 4 stars; one submission).

Submission:

Labcorp Genetics (formerly Invitae), Labcorp
Classification: Pathogenic. Last evaluated: 2022-04-04. Review status: criteria provided, single submitter. Criteria: Invitae Variant Classification Sherloc (09022015). Collection method: clinical testing. Allele origin: germline.
Comment: A gross deletion of the genomic region encompassing the full coding sequence of the REEP6 gene has been identified. Loss-of-function variants in REEP6 are known to be pathogenic (PMID: 27889058, 29120066). The boundaries of this event are unknown as they extend beyond the assayed region for this gene and therefore may encompass additional genes. This variant has not been reported in the literature in individuals affected with REEP6-related conditions. For these reasons, this variant has been classified as Pathogenic.

Literature cited by the submitters: PubMed 27889058; PubMed 29120066.

NC_000019.9:g.(?_1491269)_(1497210_?)del

Gene: REEP6 (receptor accessory protein 6; plus strand). Cytogenetic location: 19p13.3.
Variant type: Deletion.
Identifiers: ClinVar variation 1459663 (VCV001459663.5).